The following is an entry in ClinVar:

NM_000051.4(ATM):c.3153+9_3153+10insCCAAAGTTAAATAA

Gene: ATM (ATM serine/threonine kinase; plus strand). Cytogenetic location: 11q22.3.
Variant type: Insertion.
Coding change: c.3153+9_3153+10insCCAAAGTTAAATAA on transcript NM_000051.4 (MANE Select); bases 9 to 10 of the intron after coding-DNA position 3153, CCAAAGTTAAATAA inserted.
Molecular consequence: intron variant.
Genome position: GRCh38 VCF-style: chr11-108272616-T-TCCAAAGTTAAATAA. GRCh37 (hg19) VCF-style: chr11-108143343-T-TCCAAAGTTAAATAA.
Other names: c.3153+9_3153+10insCCAAAGTTAAATAA (NM_001351834.2).
Identifiers: ClinVar variation 3076156 (VCV003076156.1), dbSNP rs2497715718, ClinGen allele CA2825001822.

ClinVar aggregate classification (germline): Uncertain significance (1 of 4 stars; one submission).

Conditions:
Hereditary cancer-predisposing syndrome. Also called: Neoplastic Syndromes, Hereditary; Tumor predisposition; Hereditary neoplastic syndrome; Hereditary Cancer Syndrome. Identifiers: Orphanet 140162, MedGen C0027672, MeSH D009386, MONDO:0015356.

Submission:

Ambry Genetics
Classification: Uncertain significance for Hereditary cancer-predisposing syndrome. Last evaluated: 2015-08-19. Review status: criteria provided, single submitter. Criteria: Ambry Variant Classification Scheme 2023. Collection method: clinical testing. Allele origin: germline.
Comment: Based on insufficient or conflicting evidence, the clinical significance of this alteration remains unclear.